The following is an entry in ClinVar:

NM_018129.4(PNPO):c.509T>C (p.Val170Ala)

Gene: PNPO (pyridoxamine 5'-phosphate oxidase; plus strand). Cytogenetic location: 17q21.32.
Variant type: single nucleotide variant.
Coding change: c.509T>C on transcript NM_018129.4 (MANE Select); coding-DNA position 509, T replaced by C.
Protein change: p.Val170Ala; replaces valine 170 with alanine.
Molecular consequence: missense variant.
Genome position (GRCh38, 1-based): chr17:47,945,952, T>C. VCF-style: chr17-47945952-T-C. GRCh37 (hg19) VCF-style: chr17-46023318-T-C.
Other names: short protein forms V170A.
Identifiers: ClinVar variation 2126791 (VCV002126791.4), dbSNP rs2036002318, ClinGen allele CA400059289.

ClinVar aggregate classification (germline): Uncertain significance (1 of 4 stars; one submission).

Conditions:
Pyridoxal phosphate-responsive seizures (PNPOD). Also called: EPILEPTIC ENCEPHALOPATHY, NEONATAL, PNPO-RELATED; SEIZURES, PYRIDOXINE-RESISTANT, PLP-SENSITIVE; Pyridoxamine 5-Prime-Phosphate Oxidase Deficiency; Pyridoxine-5'-phosphate oxidase deficiency; Pyridoxal 5'-Phosphate (PLP)-Dependent Epilepsy. Identifiers: Orphanet 79096, MedGen C1864723, MONDO:0012407, OMIM 610090. Disease mechanism: loss of function.

Allele frequency attached by ClinVar (database versions not stated): gnomAD exomes below 0.00001.

Submission:

Labcorp Genetics (formerly Invitae), Labcorp
Classification: Uncertain significance for Pyridoxal phosphate-responsive seizures. Last evaluated: 2022-04-16. Review status: criteria provided, single submitter. Criteria: Invitae Variant Classification Sherloc (09022015). Collection method: clinical testing. Allele origin: germline.
Comment: In summary, the available evidence is currently insufficient to determine the role of this variant in disease. Therefore, it has been classified as a Variant of Uncertain Significance. Algorithms developed to predict the effect of missense changes on protein structure and function (SIFT, PolyPhen-2, Align-GVGD) all suggest that this variant is likely to be tolerated. This variant has not been reported in the literature in individuals affected with PNPO-related conditions. This variant is not present in population databases (gnomAD no frequency). This sequence change replaces valine, which is neutral and non-polar, with alanine, which is neutral and non-polar, at codon 170 of the PNPO protein (p.Val170Ala).